The following is an entry in ClinVar:

ClinVar aggregate classification (germline): Pathogenic (1 of 4 stars; one submission).

Submission:

Labcorp Genetics (formerly Invitae), Labcorp
Classification: Pathogenic. Last evaluated: 2024-02-23. Review status: criteria provided, single submitter. Criteria: Invitae Variant Classification Sherloc (09022015). Collection method: clinical testing. Allele origin: germline.
Comment: This sequence change creates a premature translational stop signal (p.Asp1402Glufs*10) in the TET2 gene. It is expected to result in an absent or disrupted protein product. Loss-of-function variants in TET2 are known to be pathogenic (PMID: 36066697). This variant is not present in population databases (gnomAD no frequency). This variant has not been reported in the literature in individuals affected with TET2-related conditions. ClinVar contains an entry for this variant (Variation ID: 2092782). For these reasons, this variant has been classified as Pathogenic.

Literature cited by the submitters: PubMed 36066697.

NM_001127208.3(TET2):c.4205dup (p.Asp1402fs)

Genes: TET2 (tet methylcytosine dioxygenase 2; plus strand), TET2-AS1 (TET2 antisense RNA 1; minus strand). Cytogenetic location: 4q24.
Variant type: Duplication.
Coding change: c.4205dup on transcript NM_001127208.3 (MANE Select); coding-DNA position 4205, one base duplicated (A; older notation c.4205dupA).
Protein change: p.Asp1402fs; shifts the reading frame from aspartic acid 1402.
Molecular consequence: frameshift variant.
Genome position (GRCh38, 1-based): chr4:105,272,586, A duplicated. VCF-style (leftmost placement, unchanged base first): chr4-105272585-G-GA. GRCh37 (hg19) VCF-style: chr4-106193742-G-GA.
Other names: short protein forms D1402fs.
Identifiers: ClinVar variation 2092782 (VCV002092782.4), dbSNP rs2476721130, ClinGen allele CA2580071289.